The following is an entry in ClinVar:

ClinVar aggregate classification (germline): Uncertain significance (1 of 4 stars; one submission).

Submission:

Labcorp Genetics (formerly Invitae), Labcorp
Classification: Uncertain significance. Last evaluated: 2025-04-20. Review status: criteria provided, single submitter. Criteria: Invitae Variant Classification Sherloc (09022015). Collection method: clinical testing. Allele origin: germline.
Comment: This sequence change replaces phenylalanine, which is neutral and non-polar, with valine, which is neutral and non-polar, at codon 213 of the HOXB13 protein (p.Phe213Val). This variant is not present in population databases (gnomAD no frequency). This variant has not been reported in the literature in individuals affected with HOXB13-related conditions. Invitae Evidence Modeling of protein sequence and biophysical properties (such as structural, functional, and spatial information, amino acid conservation, physicochemical variation, residue mobility, and thermodynamic stability) indicates that this missense variant is not expected to disrupt HOXB13 protein function with a negative predictive value of 80%. In summary, the available evidence is currently insufficient to determine the role of this variant in disease. Therefore, it has been classified as a Variant of Uncertain Significance.

NM_006361.6(HOXB13):c.637T>G (p.Phe213Val)

Gene: HOXB13 (homeobox B13; minus strand). Cytogenetic location: 17q21.32.
Variant type: single nucleotide variant.
Coding change: c.637T>G on transcript NM_006361.6 (MANE Select); coding-DNA position 637, T replaced by G.
Protein change: p.Phe213Val; replaces phenylalanine 213 with valine.
Molecular consequence: missense variant.
Genome position (GRCh38, 1-based): chr17:48,727,008, A>C on the plus strand (T>G on the coding strand, the complement: HOXB13 is on the minus strand). VCF-style: chr17-48727008-A-C. GRCh37 (hg19) VCF-style: chr17-46804370-A-C.
Other names: short protein forms F213V.
Identifiers: ClinVar variation 4746247 (VCV004746247.1).